The following is an entry in ClinVar:

NM_001005361.3(DNM2):c.2546G>A (p.Arg849Lys)

Gene: DNM2 (dynamin 2; plus strand). Cytogenetic location: 19p13.2.
Variant type: single nucleotide variant.
Coding change: c.2546G>A on transcript NM_001005361.3 (MANE Select); coding-DNA position 2546, G replaced by A.
Protein change: p.Arg849Lys; replaces arginine 849 with lysine.
Molecular consequence: missense variant. On other transcripts: splice acceptor variant (1).
Genome position (GRCh38, 1-based): chr19:10,830,980, G>A. VCF-style: chr19-10830980-G-A. GRCh37 (hg19) VCF-style: chr19-10941656-G-A.
Other names: c.2546G>A, p.Arg849Lys (NM_001005360.3); c.2534G>A, p.Arg845Lys (NM_001005362.3, NM_004945.4); c.2544-1G>A (NM_001190716.2); short protein forms R845K, R849K.
Identifiers: ClinVar variation 4691121 (VCV004691121.1).
Genomic context (GRCh38, chr19:10,830,980, plus strand): 5'-CTTGCTCCCGGCCTCACTGCCGTCTCCCCCTCCCCACCTGTCTTTATTCTCTTTGCAGCA[G>A]AAGACCCCCTGCTGCGCCCAGCCGGCCCACCATTATCCGCCCAGCCGAGCCATCCCTGCT-3'
Protein context (NP_001005361.1, residues 839-859): PPGIPPGVPS[Arg849Lys]RPPAAPSRPT

ClinVar aggregate classification (germline): Uncertain significance (1 of 4 stars; one submission).

Conditions:
Charcot-Marie-Tooth disease dominant intermediate B (CMTDIB). Also called: CHARCOT-MARIE-TOOTH NEUROPATHY, DOMINANT INTERMEDIATE B; Charcot-Marie-Tooth disease dominant intermediate 1; CMT DI1; Charcot-Marie-Tooth disease dominant intermediate I. Identifiers: Orphanet 100044, Orphanet 228179, MedGen C1847902, MONDO:0011674, OMIM 606482.

Submission:

Labcorp Genetics (formerly Invitae), Labcorp
Classification: Uncertain significance for Charcot-Marie-Tooth disease dominant intermediate B. Last evaluated: 2025-10-01. Review status: criteria provided, single submitter. Criteria: Invitae Variant Classification Sherloc (09022015). Collection method: clinical testing. Allele origin: germline.
Comment: This sequence change replaces arginine, which is basic and polar, with lysine, which is basic and polar, at codon 849 of the DNM2 protein (p.Arg849Lys). This variant is not present in population databases (gnomAD no frequency). This variant has not been reported in the literature in individuals affected with DNM2-related conditions. Invitae Evidence Modeling of protein sequence and biophysical properties (such as structural, functional, and spatial information, amino acid conservation, physicochemical variation, residue mobility, and thermodynamic stability) indicates that this missense variant is not expected to disrupt DNM2 protein function with a negative predictive value of 95%. In summary, the available evidence is currently insufficient to determine the role of this variant in disease. Therefore, it has been classified as a Variant of Uncertain Significance.